The following is an entry in ClinVar:

ClinVar aggregate classification (germline): Likely benign (1 of 4 stars; one submission).

Submission:

GeneDx
Classification: Likely benign. Last evaluated: 2016-02-01. Review status: criteria provided, single submitter. Criteria: GeneDx Variant Classification (06012015). Collection method: clinical testing. Allele origin: germline. Affected: yes.
Comment: This variant is considered likely benign or benign based on one or more of the following criteria: it is a conservative change, it occurs at a poorly conserved position in the protein, it is predicted to be benign by multiple in silico algorithms, and/or has population frequency not consistent with disease.

NM_153026.3(PRICKLE1):c.1640-11C>T

Gene: PRICKLE1 (prickle planar cell polarity protein 1; minus strand). Cytogenetic location: 12q12.
Variant type: single nucleotide variant.
Coding change: c.1640-11C>T on transcript NM_153026.3 (MANE Select); 11 bases into the intron before coding-DNA position 1640, C replaced by T.
Molecular consequence: intron variant.
Genome position (GRCh38, 1-based): chr12:42,460,676, G>A on the plus strand (C>T on the coding strand, the complement: PRICKLE1 is on the minus strand). VCF-style: chr12-42460676-G-A. GRCh37 (hg19) VCF-style: chr12-42854478-G-A.
Other names: c.1640-11C>T (NM_001144883.2, NM_001144882.2, NM_001144881.2).
Identifiers: ClinVar variation 383372 (VCV000383372.1), dbSNP rs1057521602, ClinGen allele CA16607282.
Genomic context (GRCh38, chr12:42,460,676, plus strand): 5'-CAGAGAATACAATGATGGCCTTGGCTTGTTTTCTCCATCCACCGAAGCCCCTAGAAGAGA[G>A]GCCAAAACAAGATGTGCTTCTCAATCATCCTAATATTCGACAGTACTTAAAAGTAAGCTA-3'